The following is an entry in ClinVar:

NM_000059.4(BRCA2):c.8398_8399insT (p.Pro2800fs)

Gene: BRCA2 (BRCA2 DNA repair associated; plus strand). Cytogenetic location: 13q13.1.
Variant type: Insertion.
Coding change: c.8398_8399insT on transcript NM_000059.4 (MANE Select); coding-DNA positions 8398 to 8399, T inserted.
Protein change: p.Pro2800fs; shifts the reading frame from proline 2800.
Molecular consequence: frameshift variant. On other transcripts: non-coding transcript variant (1).
Genome position: GRCh38 VCF-style: chr13-32370468-C-CT. GRCh37 (hg19) VCF-style: chr13-32944605-C-CT.
Other names: c.8302_8303insT, p.Pro2768fs (NM_001406719.1); c.8398_8399insT, p.Pro2800fs (NM_001406720.1, NM_001432077.1); c.3466_3467insT, p.Pro1156fs (NM_001406721.1); c.1981_1982insT, p.Pro661fs (NM_001406722.1); short protein forms P1156fs, P2768fs, P2800fs, P661fs.
Identifiers: ClinVar variation 4532837 (VCV004532837.1).
Genomic context (GRCh38, chr13:32,370,468, plus strand): 5'-GCTAACAGTACTCGGCCTGCTCGCTGGTATACCAAACTTGGATTCTTTCCTGACCCTAGA[C>CT]CTTTTCCTCTGCCCTTATCATCGCTTTTCAGTGATGGAGGAAATGTTGGTTGTGTTGATG-3'

ClinVar aggregate classification (germline): Likely pathogenic (1 of 4 stars; one submission).

Submission:

Quest Diagnostics Nichols Institute San Juan Capistrano
Classification: Likely pathogenic. Last evaluated: 2025-09-09. Review status: criteria provided, single submitter. Criteria: Quest Diagnostics criteria. Collection method: clinical testing. Allele origin: unknown.
Comment: The BRCA2 c.8398_8399insT (p.Pro2800Leufs*12) variant alters the translational reading frame of the BRCA2 mRNA and is predicted to cause the premature termination of BRCA2 protein synthesis. This variant has not been reported in individuals with BRCA2-related conditions in the published literature. This variant has not been reported in large, multi-ethnic general populations (Genome Aggregation Database). Based on the available information, this variant is classified as likely pathogenic.